The following is an entry in ClinVar:

NM_024915.4(GRHL2):c.1520G>A (p.Gly507Asp)

Genes: GRHL2 (grainyhead like transcription factor 2; plus strand), LOC126860461 (CDK7 strongly-dependent group 2 enhancer GRCh37_chr8:102655529-102656728; plus strand). Cytogenetic location: 8q22.3.
Variant type: single nucleotide variant.
Coding change: c.1520G>A on transcript NM_024915.4 (MANE Select); coding-DNA position 1520, G replaced by A.
Protein change: p.Gly507Asp; replaces glycine 507 with aspartic acid.
Molecular consequence: missense variant.
Genome position (GRCh38, 1-based): chr8:101,644,133, G>A. VCF-style: chr8-101644133-G-A. GRCh37 (hg19) VCF-style: chr8-102656361-G-A.
Other names: c.1472G>A, p.Gly491Asp (NM_001330593.2); short protein forms G491D, G507D.
Identifiers: ClinVar variation 3646893 (VCV003646893.2).

ClinVar aggregate classification (germline): Uncertain significance (1 of 4 stars; one submission).

Submission:

Labcorp Genetics (formerly Invitae), Labcorp
Classification: Uncertain significance. Last evaluated: 2024-04-10. Review status: criteria provided, single submitter. Criteria: Invitae Variant Classification Sherloc (09022015). Collection method: clinical testing. Allele origin: germline.
Comment: This sequence change replaces glycine, which is neutral and non-polar, with aspartic acid, which is acidic and polar, at codon 507 of the GRHL2 protein (p.Gly507Asp). This variant is not present in population databases (gnomAD no frequency). This variant has not been reported in the literature in individuals affected with GRHL2-related conditions. An algorithm developed to predict the effect of missense changes on protein structure and function (PolyPhen-2) suggests that this variant is likely to be tolerated. In summary, the available evidence is currently insufficient to determine the role of this variant in disease. Therefore, it has been classified as a Variant of Uncertain Significance.